The following is an entry in ClinVar:

NM_000501.4(ELN):c.1918+1G>A

Gene: ELN (elastin; plus strand). Cytogenetic location: 7q11.23.
Variant type: single nucleotide variant.
Coding change: c.1918+1G>A on transcript NM_000501.4 (MANE Select); the canonical splice donor site of the intron after coding-DNA position 1918, G replaced by A.
Molecular consequence: splice donor variant.
Genome position (GRCh38, 1-based): chr7:74,063,370, G>A. VCF-style: chr7-74063370-G-A. GRCh37 (hg19) VCF-style: chr7-73477700-G-A.
Other names: c.1933+1G>A (NM_001081754.3); c.1876+1G>A (NM_001081753.3); c.2104+1G>A (NM_001278939.2); c.1936+1G>A (NM_001278915.2); c.1918+1G>A (NM_001278912.2); c.1861+1G>A (NM_001081755.3); c.1774+1G>A (NM_001278916.2); c.1675+1G>A (NM_001278913.2); and 4 more.
Identifiers: ClinVar variation 163398 (VCV000163398.4), dbSNP rs727503035, ClinGen allele CA281482.

ClinVar aggregate classification (germline): Pathogenic (1 of 4 stars; one submission).

Conditions:
Supravalvar aortic stenosis (SVAS). Also called: Supravalvar aortic stenosis, Eisenberg type. Identifiers: Orphanet 3193, MedGen C0003499, MONDO:0008504, OMIM 185500, HP:0004381.

Submission:

Laboratory for Molecular Medicine, Mass General Brigham Personalized Medicine
Classification: Pathogenic for Supravalvular aortic stenosis. Last evaluated: 2012-08-07. Review status: criteria provided, single submitter. Criteria: LMM Criteria. Collection method: clinical testing. Allele origin: germline. Observed: 1 variant allele.
Comment: The 1918+1G>A variant in ELN has not been reported in the literature nor previou sly identified by our laboratory. This variant occurs in the invariant region (+ /- 1, 2) of the splice consensus sequence and is predicted to cause altered spli cing leading to an abnormal or absent protein. Loss of function of the ELN gene is an established mechanism of disease in SVAS (Human Gene Mutation Database, HG MD). In summary, 1918+1G>A variant meets out pathogenicity criteria (m.).